The following is an entry in ClinVar:

ClinVar aggregate classification (germline): Likely pathogenic (1 of 4 stars; one submission).

Conditions:
Combined immunodeficiency due to LRBA deficiency. Also called: Common variable immunodeficiency 8, with autoimmunity. Identifiers: Orphanet 445018, MedGen C3553512, MONDO:0013863, OMIM 614700.

Submission:

Neuberg Centre For Genomic Medicine, NCGM
Classification: Likely pathogenic for Combined immunodeficiency due to LRBA deficiency. Last evaluated: 2023-03-01. Review status: criteria provided, single submitter. Criteria: ACMG Guidelines, 2015. Collection method: clinical testing. Allele origin: germline. Inheritance: Autosomal recessive inheritance. Affected: yes.
Comment: The stop gained variant c.2197G>T (p.Glu733Ter) in the LRBA gene has not been reported previously as a pathogenic variant nor as a benign variant, to our knowledge. The variant is novel (not in any individuals) in gnomAD Exomes and 1000 Genomes. This variant is predicted to cause a loss of normal protein function through protein truncation. Loss of function variants has been previously reported to be disease-causing (Charbonnier et al., 2015). For these reasons, this variant has been classified as Likely Pathogenic.

NM_001364905.1(LRBA):c.2197G>T (p.Glu733Ter)

Gene: LRBA (LPS responsive beige-like anchor protein; minus strand). Cytogenetic location: 4q31.3.
Variant type: single nucleotide variant.
Coding change: c.2197G>T on transcript NM_001364905.1 (MANE Select); coding-DNA position 2197, G replaced by T.
Protein change: p.Glu733Ter; replaces glutamic acid 733 with a stop codon.
Molecular consequence: nonsense.
Genome position (GRCh38, 1-based): chr4:150,872,724, C>A on the plus strand (G>T on the coding strand, the complement: LRBA is on the minus strand). VCF-style: chr4-150872724-C-A. GRCh37 (hg19) VCF-style: chr4-151793876-C-A.
Other names: c.2197G>T, p.Glu733Ter (NM_006726.5, NM_001199282.3, NM_001367550.1); short protein forms E733*.
Identifiers: ClinVar variation 2671665 (VCV002671665.1), dbSNP rs2546559508, ClinGen allele CA358467609.